The following is an entry in ClinVar:

ClinVar aggregate classification (germline): Uncertain significance (1 of 4 stars; one submission).

gnomAD v4.1: 3 of 1,613,962 alleles (0.00019%); highest among the groups gnomAD compares: Non-Finnish European, 0.00025%; no homozygotes.

Submission:

GeneDx
Classification: Uncertain significance. Last evaluated: 2023-01-25. Review status: criteria provided, single submitter. Criteria: GeneDx Variant Classification Process June 2021. Collection method: clinical testing. Allele origin: germline. Affected: yes.
Comment: Not observed at significant frequency in large population cohorts (gnomAD); In silico analysis supports that this missense variant has a deleterious effect on protein structure/function; Has not been previously published as pathogenic or benign to our knowledge

NM_002335.4(LRP5):c.2208C>A (p.Asp736Glu)

Gene: LRP5 (LDL receptor related protein 5; plus strand). Cytogenetic location: 11q13.2.
Variant type: single nucleotide variant.
Coding change: c.2208C>A on transcript NM_002335.4 (MANE Select); coding-DNA position 2208, C replaced by A.
Protein change: p.Asp736Glu; replaces aspartic acid 736 with glutamic acid.
Molecular consequence: missense variant.
Genome position (GRCh38, 1-based): chr11:68,410,030, C>A. VCF-style: chr11-68410030-C-A. GRCh37 (hg19) VCF-style: chr11-68177498-C-A.
Other names: c.465C>A, p.Asp155Glu (NM_001291902.2); short protein forms D155E, D736E.
Identifiers: ClinVar variation 2574418 (VCV002574418.1), dbSNP rs35298380, ClinGen allele CA381616511.